The following is an entry in ClinVar:

NM_032043.3(BRIP1):c.1141-7_1141-3del

Gene: BRIP1 (BRCA1 interacting DNA helicase 1; minus strand). Cytogenetic location: 17q23.2.
Variant type: Deletion.
Coding change: c.1141-7_1141-3del on transcript NM_032043.3 (MANE Select); 7 bases into the intron before coding-DNA position 1141 through 3 bases into the intron before coding-DNA position 1141, 5 bases deleted (CTTAT; older notation c.1141-7_1141-3delCTTAT).
Molecular consequence: intron variant.
Genome position (GRCh38, 1-based): chr17:61,799,302-61,799,306, ATAAG deleted on the plus strand (CTTAT on the coding strand, the reverse complement: BRIP1 is on the minus strand); deleting any 5 consecutive bases within chr17:61,799,302-61,799,310 gives the same sequence; the c. name uses the placement nearest the transcript's 3' end. VCF-style (leftmost placement, unchanged base first): chr17-61799301-TATAAG-T. GRCh37 (hg19) VCF-style: chr17-59876662-TATAAG-T.
Other names: c.1141-7_1141-3delCTTAT (NM_032043.2); c.1141-7_1141-3del (NM_032043.2).
Identifiers: ClinVar variation 407815 (VCV000407815.16), dbSNP rs1060501744, ClinGen allele CA16615516.

ClinVar aggregate classification (germline): Uncertain significance. Review status: criteria provided, multiple submitters, no conflicts (2 of 4 stars). 4 submissions from 4 submitters: Uncertain significance (4). Last evaluated 2026-01-26.

Conditions:
Hereditary breast ovarian cancer syndrome. Also called: Hereditary breast and ovarian cancer syndrome; Hereditary breast and/or ovarian cancer syndrome; BRCA1- and BRCA2-Associated Hereditary Breast and Ovarian Cancer; Hereditary breast and ovarian cancer syndrome (HBOC); Hereditary breast and ovarian cancer; Breast and ovarian cancer. Identifiers: Orphanet 145, MedGen C0677776, MeSH D061325, MONDO:0003582. Disease mechanism: loss of function.
Breast and/or ovarian cancer. Identifiers: MedGen CN221562.
Hereditary cancer-predisposing syndrome. Also called: Hereditary neoplastic syndrome; Neoplastic Syndromes, Hereditary; Tumor predisposition; Hereditary Cancer Syndrome. Identifiers: Orphanet 140162, MedGen C0027672, MeSH D009386, MONDO:0015356.
Familial cancer of breast. Also called: Hereditary breast cancer; hereditary breast carcinoma; BREAST CANCER, FAMILIAL. Identifiers: Orphanet 227535, MedGen C0346153, MONDO:0016419, OMIM 114480. Disease mechanism: loss of function.
Fanconi anemia complementation group J. Also called: BRIP1-Related Fanconi Anemia. Identifiers: Orphanet 84, MedGen C1836860, MONDO:0012187, OMIM 609054.

Submissions (4):

Labcorp Genetics (formerly Invitae), Labcorp
Classification: Uncertain significance for Familial cancer of breast; Fanconi anemia complementation group J. Last evaluated: 2026-01-26. Review status: criteria provided, single submitter. Criteria: Invitae Variant Classification Sherloc (09022015). Collection method: clinical testing. Allele origin: germline.
Comment: This sequence change falls in intron 8 of the BRIP1 gene. It does not directly change the encoded amino acid sequence of the BRIP1 protein. This variant is not present in population databases (gnomAD no frequency). This variant has not been reported in the literature in individuals affected with BRIP1-related conditions. ClinVar contains an entry for this variant (Variation ID: 407815). Studies have shown that this variant is associated with inconclusive levels of altered splicing (internal data). In summary, the available evidence is currently insufficient to determine the role of this variant in disease. Therefore, it has been classified as a Variant of Uncertain Significance.

Ambry Genetics
Classification: Uncertain significance for Hereditary cancer-predisposing syndrome. Last evaluated: 2024-09-11. Review status: criteria provided, single submitter. Criteria: Ambry Variant Classification Scheme 2023. Collection method: clinical testing. Allele origin: germline.
Comment: The c.1141-7_1141-3delCTTAT intronic variant, located in intron 7 of the BRIP1 gene, results from a deletion of 5 nucleotides within intron 7 of the BRIP1 gene. This nucleotide position is well conserved in available vertebrate species. In silico splice site analysis predicts that this alteration will result in the creation or strengthening of a novel splice acceptor site; however, direct evidence is insufficient at this time (Ambry internal data). Based on the available evidence, the clinical significance of this variant remains unclear.

German Consortium for Hereditary Breast and Ovarian Cancer, University Hospital Cologne
Classification: Uncertain significance for Hereditary breast ovarian cancer syndrome. Last evaluated: 2024-01-09. Review status: criteria provided, single submitter. Criteria: ACMG Guidelines, 2015. Collection method: curation. Allele origin: germline.
Comment: . According to the ACMG standard criteria we chose these criteria: PP3 (supporting pathogenic): SpliceAI: Acceptor Loss 0.20 canonical splice site; Acceptor Gain 0.57 intronic -39 bp , BP7 (supporting benign): Splicing assay data demonstrating a variant is not associated with aberrantly spliced transcript(s) relative to transcript profiles in controls (s. Köln)

CHEO Genetics Diagnostic Laboratory, Children's Hospital of Eastern Ontario
Classification: Uncertain significance for Breast and/or ovarian cancer. Last evaluated: 2023-02-17. Review status: criteria provided, single submitter. Criteria: ACMG Guidelines, 2015. Collection method: clinical testing. Allele origin: germline.